The following is an entry in ClinVar:

ClinVar aggregate classification (germline): Likely pathogenic (1 of 4 stars; one submission).

Conditions:
Angelman syndrome (AS). Also called: HAPPY PUPPET SYNDROME. Identifiers: Orphanet 72, MedGen C0162635, MONDO:0007113, OMIM 105830. Disease mechanism: loss of function. Inheritance: AS is caused by disruption of maternally imprinted UBE3A located within the 15q11.2-q13 Angelman syndrome/Prader-Willi syndrome (AS/PWS) region., imprinting disorder.

Submission:

Neuberg Centre For Genomic Medicine, NCGM
Classification: Likely pathogenic for Angelman syndrome. Review status: criteria provided, single submitter. Criteria: ACMG Guidelines, 2015. Collection method: clinical testing. Allele origin: germline. Inheritance: Autosomal dominant inheritance. Affected: yes.
Comment: The frame shift (c.303dup) variant has not been reported previously as a pathogenic variant nor as a benign variant, to our knowledge. The p.Asn102GlnfsTer6 variant is novel (not in any individuals) in gnomAD Exomes and 1000 Genomes. This variant causes a frameshift starting with codon Asparagine 102, changes this amino acid to Glutamine residue, and creates a premature Stop codon at position 6 of the new reading frame, denoted p.Asn102GlnfsTer6. This variant is predicted to cause loss of normal protein function through protein truncation. Loss of function variants have been previously reported to be disease causing. For these reasons, this variant has been classified as Likely Pathogenic.

NM_130839.5(UBE3A):c.303dup (p.Asn102fs)

Genes: SNHG14 (small nucleolar RNA host gene 14; plus strand), UBE3A (ubiquitin protein ligase E3A; minus strand). Cytogenetic location: 15q11.2.
Variant type: Duplication.
Coding change: c.303dup on transcript NM_130839.5 (MANE Select); coding-DNA position 303, one base duplicated (C; older notation c.303dupC).
Protein change: p.Asn102fs; shifts the reading frame from asparagine 102.
Molecular consequence: frameshift variant. On other transcripts: non-coding transcript variant (1).
Genome position (GRCh38, 1-based): chr15:25,375,523, G duplicated on the plus strand (C on the coding strand, the reverse complement: UBE3A is on the minus strand); the first of 5 consecutive G bases (chr15:25,375,523-25,375,527); duplicating any one gives the same sequence. VCF-style (leftmost placement, unchanged base first): chr15-25375522-T-TG. GRCh37 (hg19) VCF-style: chr15-25620669-T-TG.
Other names: c.126dup, p.Asn43fs (NM_001354546.2); c.243dup, p.Asn82fs (NM_001354547.2, NM_001354548.2, NM_001354549.2 and 18 more transcripts); c.303dup, p.Asn102fs (NM_001354550.2, NM_001354538.2, NM_001354545.2 and 1 more transcripts); c.312dup, p.Asn105fs (NM_000462.5); short protein forms N43fs, N82fs, N102fs, N105fs.
Identifiers: ClinVar variation 2584851 (VCV002584851.1), dbSNP rs2552193014, ClinGen allele CA2582341775.